The following is an entry in ClinVar:

ClinVar aggregate classification (germline): Uncertain significance. Review status: criteria provided, multiple submitters, no conflicts (2 of 4 stars). 2 submissions from 2 submitters: Uncertain significance (2). Last evaluated 2025-05-19.

Conditions:
Hereditary cancer-predisposing syndrome. Also called: Neoplastic Syndromes, Hereditary; Tumor predisposition; Hereditary Cancer Syndrome; Hereditary neoplastic syndrome. Identifiers: Orphanet 140162, MedGen C0027672, MeSH D009386, MONDO:0015356.

Allele frequency attached by ClinVar (database versions not stated): gnomAD exomes below 0.00001.
gnomAD v4.1: 1 of 1,613,272 alleles (0.000062%); highest among the groups gnomAD compares: Admixed American, 0.0017%; no homozygotes.

Submissions (2):

Labcorp Genetics (formerly Invitae), Labcorp
Classification: Uncertain significance. Last evaluated: 2025-05-19. Review status: criteria provided, single submitter. Criteria: Invitae Variant Classification Sherloc (09022015). Collection method: clinical testing. Allele origin: germline.
Comment: This sequence change replaces proline, which is neutral and non-polar, with serine, which is neutral and polar, at codon 1304 of the POLE protein (p.Pro1304Ser). This variant is not present in population databases (gnomAD no frequency). This variant has not been reported in the literature in individuals affected with POLE-related conditions. ClinVar contains an entry for this variant (Variation ID: 1025843). An algorithm developed to predict the effect of missense changes on protein structure and function outputs the following: PolyPhen-2: "Benign". The serine amino acid residue is found in multiple mammalian species, which suggests that this missense change does not adversely affect protein function. In summary, the available evidence is currently insufficient to determine the role of this variant in disease. Therefore, it has been classified as a Variant of Uncertain Significance.

Ambry Genetics
Classification: Uncertain significance for Hereditary cancer-predisposing syndrome. Last evaluated: 2023-12-08. Review status: criteria provided, single submitter. Criteria: Ambry Variant Classification Scheme 2023. Collection method: clinical testing. Allele origin: germline.
Comment: The p.P1304S variant (also known as c.3910C>T), located in coding exon 31 of the POLE gene, results from a C to T substitution at nucleotide position 3910. The proline at codon 1304 is replaced by serine, an amino acid with similar properties. This amino acid position is conserved. In addition, this alteration is predicted to be tolerated by in silico analysis. Since supporting evidence is limited at this time, the clinical significance of this alteration remains unclear.

NM_006231.4(POLE):c.3910C>T (p.Pro1304Ser)

Gene: POLE (DNA polymerase epsilon, catalytic subunit; minus strand). Cytogenetic location: 12q24.33.
Variant type: single nucleotide variant.
Coding change: c.3910C>T on transcript NM_006231.4 (MANE Select); coding-DNA position 3910, C replaced by T.
Protein change: p.Pro1304Ser; replaces proline 1304 with serine.
Molecular consequence: missense variant.
Genome position (GRCh38, 1-based): chr12:132,649,401, G>A on the plus strand (C>T on the coding strand, the complement: POLE is on the minus strand). VCF-style: chr12-132649401-G-A. GRCh37 (hg19) VCF-style: chr12-133225987-G-A.
Other names: c.3910C>T (NM_006231.2); short protein forms P1304S.
Identifiers: ClinVar variation 1025843 (VCV001025843.9), dbSNP rs2042365731, ClinGen allele CA387385156.
Genomic context (GRCh38, chr12:132,649,401, plus strand): 5'-GGGCAGTTCTTCGCAAGAAGCTCCCCAGCCCCGTGGCAGGACCATCCCGGATGGCCCCGG[G>A]CCTGAGCACACCCTCTGCCGACTCCAGACGCTGCCTCTTCCTGCGGGCGAGGCGCTGCCG-3'
Protein context (NP_006222.2, residues 1294-1314): RLESAEGVLR[Pro1304Ser]GAIRDGPATG